The following is an entry in ClinVar:

ClinVar aggregate classification (germline): Uncertain significance (1 of 4 stars; one submission).

Allele frequency attached by ClinVar (database versions not stated): gnomAD exomes below 0.00001.
gnomAD v4.1: 3 of 1,614,092 alleles (0.00019%); highest among the groups gnomAD compares: Non-Finnish European, 0.00025%; no homozygotes.

Submission:

Labcorp Genetics (formerly Invitae), Labcorp
Classification: Uncertain significance. Last evaluated: 2022-06-27. Review status: criteria provided, single submitter. Criteria: Invitae Variant Classification Sherloc (09022015). Collection method: clinical testing. Allele origin: germline.
Comment: This variant is not present in population databases (gnomAD no frequency). This sequence change replaces threonine, which is neutral and polar, with alanine, which is neutral and non-polar, at codon 3424 of the FAT4 protein (p.Thr3424Ala). This variant has not been reported in the literature in individuals affected with FAT4-related conditions. In summary, the available evidence is currently insufficient to determine the role of this variant in disease. Therefore, it has been classified as a Variant of Uncertain Significance. Advanced modeling of protein sequence and biophysical properties (such as structural, functional, and spatial information, amino acid conservation, physicochemical variation, residue mobility, and thermodynamic stability) performed at Invitae indicates that this missense variant is not expected to disrupt FAT4 protein function.

NM_001291303.3(FAT4):c.10276A>G (p.Thr3426Ala)

Gene: FAT4 (FAT atypical cadherin 4; plus strand). Cytogenetic location: 4q28.1.
Variant type: single nucleotide variant.
Coding change: c.10276A>G on transcript NM_001291303.3 (MANE Select); coding-DNA position 10276, A replaced by G.
Protein change: p.Thr3426Ala; replaces threonine 3426 with alanine.
Molecular consequence: missense variant.
Genome position (GRCh38, 1-based): chr4:125,451,286, A>G. VCF-style: chr4-125451286-A-G. GRCh37 (hg19) VCF-style: chr4-126372441-A-G.
Other names: c.10276A>G, p.Thr3426Ala (NM_001291285.3); c.10270A>G, p.Thr3424Ala (NM_024582.6); short protein forms T3424A, T3426A.
Identifiers: ClinVar variation 1408783 (VCV001408783.6), dbSNP rs2126060621, ClinGen allele CA358157999.